The following is an entry in ClinVar:

ClinVar aggregate classification (germline): Uncertain significance (1 of 4 stars; one submission).

Conditions:
Familial thoracic aortic aneurysm and aortic dissection (TAAD). Also called: Thoracic aortic aneurysms and dissections. Identifiers: Orphanet 91387, MedGen C4707243, MONDO:0019625.

Submission:

Color Diagnostics, LLC DBA Color Health
Classification: Uncertain significance for Familial thoracic aortic aneurysm and aortic dissection. Last evaluated: 2024-03-06. Review status: criteria provided, single submitter. Criteria: ACMG Guidelines, 2015. Collection method: clinical testing. Allele origin: germline.
Comment: This missense variant replaces asparagine with lysine at codon 1926 of the FBN1 protein. Computational prediction suggests that this variant may not impact protein structure and function (internally defined REVEL score threshold <= 0.5, PMID: 27666373). Splice site prediction tools suggest that this variant may not impact RNA splicing. To our knowledge, functional studies have not been performed for this variant. This variant has not been reported in individuals affected with cardiovascular disorders in the literature. This variant has not been identified in the general population by the Genome Aggregation Database (gnomAD). The available evidence is insufficient to determine the role of this variant in disease conclusively. Therefore, this variant is classified as a Variant of Uncertain Significance.

NM_000138.5(FBN1):c.5778T>G (p.Asn1926Lys)

Gene: FBN1 (fibrillin 1; minus strand). Cytogenetic location: 15q21.1.
Variant type: single nucleotide variant.
Coding change: c.5778T>G on transcript NM_000138.5 (MANE Select); coding-DNA position 5778, T replaced by G.
Protein change: p.Asn1926Lys; replaces asparagine 1926 with lysine.
Molecular consequence: missense variant.
Genome position (GRCh38, 1-based): chr15:48,446,716, A>C on the plus strand (T>G on the coding strand, the complement: FBN1 is on the minus strand). VCF-style: chr15-48446716-A-C. GRCh37 (hg19) VCF-style: chr15-48738913-A-C.
Other names: short protein forms N1926K.
Identifiers: ClinVar variation 924564 (VCV000924564.4), dbSNP rs2043162237, ClinGen allele CA392341037.